The following is an entry in ClinVar:

ClinVar aggregate classification (germline): Uncertain significance (1 of 4 stars; one submission).

Allele frequency attached by ClinVar (database versions not stated): gnomAD 0.00001.

Submission:

Labcorp Genetics (formerly Invitae), Labcorp
Classification: Uncertain significance. Last evaluated: 2022-11-12. Review status: criteria provided, single submitter. Criteria: Invitae Variant Classification Sherloc (09022015). Collection method: clinical testing. Allele origin: germline.
Comment: This sequence change replaces serine, which is neutral and polar, with glycine, which is neutral and non-polar, at codon 846 of the TOPORS protein (p.Ser846Gly). This variant is not present in population databases (gnomAD no frequency). This variant has not been reported in the literature in individuals affected with TOPORS-related conditions. Algorithms developed to predict the effect of missense changes on protein structure and function are either unavailable or do not agree on the potential impact of this missense change (SIFT: "Tolerated"; PolyPhen-2: "Not Available"; Align-GVGD: "Class C0"). In summary, the available evidence is currently insufficient to determine the role of this variant in disease. Therefore, it has been classified as a Variant of Uncertain Significance.

NM_005802.5(TOPORS):c.2536A>G (p.Ser846Gly)

Gene: TOPORS (TOP1 binding arginine/serine rich protein, E3 ubiquitin ligase; minus strand). Cytogenetic location: 9p21.1.
Variant type: single nucleotide variant.
Coding change: c.2536A>G on transcript NM_005802.5 (MANE Select); coding-DNA position 2536, A replaced by G.
Protein change: p.Ser846Gly; replaces serine 846 with glycine.
Molecular consequence: missense variant.
Genome position (GRCh38, 1-based): chr9:32,541,989, T>C on the plus strand (A>G on the coding strand, the complement: TOPORS is on the minus strand). VCF-style: chr9-32541989-T-C. GRCh37 (hg19) VCF-style: chr9-32541987-T-C.
Other names: c.2341A>G, p.Ser781Gly (NM_001195622.2); short protein forms S781G, S846G.
Identifiers: ClinVar variation 2813862 (VCV002813862.3), dbSNP rs1347398597, ClinGen allele CA373162827.